The following is an entry in ClinVar:

NM_006767.4(LZTR1):c.2282del (p.Lys761fs)

Gene: LZTR1 (leucine zipper like post translational regulator 1; plus strand). Cytogenetic location: 22q11.21.
Variant type: Deletion.
Coding change: c.2282del on transcript NM_006767.4 (MANE Select); coding-DNA position 2282, one base deleted (A; older notation c.2282delA).
Protein change: p.Lys761fs; shifts the reading frame from lysine 761.
Molecular consequence: frameshift variant.
Genome position (GRCh38, 1-based): chr22:20,996,758, A deleted; the last of 2 consecutive A bases (chr22:20,996,757-20,996,758); deleting either gives the same sequence. VCF-style (leftmost placement, unchanged base first): chr22-20996756-CA-C. GRCh37 (hg19) VCF-style: chr22-21351045-CA-C.
Other names: short protein forms K761fs.
Identifiers: ClinVar variation 4615637 (VCV004615637.1).
Genomic context (GRCh38, chr22:20,996,756, plus strand): 5'-CTACTTGTTTGCGGCCCCCTACTACTACGGCTTCTACAACAACCGGCTGCAGGCGTACTG[CA>C]AGCAGAACCTGGAGATGAACGTGACGGTGCAGAACGTGCTGCAGGTAGCCCCCCAGCCCC-3'

ClinVar aggregate classification (germline): Pathogenic (1 of 4 stars; one submission).

Conditions:
Cardiovascular phenotype. Identifiers: MedGen CN230736.
Hereditary cancer-predisposing syndrome. Also called: Neoplastic Syndromes, Hereditary; Tumor predisposition; Hereditary Cancer Syndrome; Hereditary neoplastic syndrome. Identifiers: Orphanet 140162, MedGen C0027672, MeSH D009386, MONDO:0015356.

Submission:

Ambry Genetics
Classification: Pathogenic for Cardiovascular phenotype; Hereditary cancer-predisposing syndrome. Last evaluated: 2025-11-04. Review status: criteria provided, single submitter. Criteria: Ambry Variant Classification Scheme 2023. Collection method: clinical testing. Allele origin: germline.
Comment: The c.2282delA pathogenic mutation, located in coding exon 19 of the LZTR1 gene, results from a deletion of one nucleotide at nucleotide position 2282, causing a translational frameshift with a predicted alternate stop codon (p.K761Sfs*6). This alteration is expected to result in loss of function by premature protein truncation or nonsense-mediated mRNA decay. Loss-of-function variants in LZTR1 are related to an increased risk for schwannomas and autosomal recessive Noonan syndrome; however, such associations with autosomal dominant Noonan syndrome have not been observed (Piotrowski A et al. Nat Genet. 2014 Feb;46:182-7; Yamamoto GL et al. J Med Genet. 2015 Jun;52:413-21; Johnston JJ et al. Genet Med. 2018 10;20:1175-1185). Based on the supporting evidence, this variant is pathogenic for an increased risk of LZTR1-related schwannomatosis (SWN) and would be expected to cause autosomal recessive Noonan syndrome when present along with a second pathogenic or likely pathogenic variant on the other allele; however, the association of this alteration with autosomal dominant Noonan syndrome is unlikely.